The following is an entry in ClinVar:

ClinVar aggregate classification (germline): Likely benign (1 of 4 stars; one submission).

Conditions:
Intellectual developmental disorder, autosomal dominant 29. Also called: SETBP1 Haploinsufficiency Disorder; Intellectual disability, autosomal dominant 29. Identifiers: Orphanet 436151, MedGen C4015141, MONDO:0014482, OMIM 616078.

Submission:

Victorian Clinical Genetics Services, Murdoch Childrens Research Institute
Classification: Likely benign for Intellectual developmental disorder, autosomal dominant 29. Last evaluated: 2022-02-02. Review status: criteria provided, single submitter. Criteria: ACMG Guidelines, 2015. Collection method: clinical testing. Allele origin: germline. Inheritance: Autosomal dominant inheritance. Affected: yes.
Comment: Based on the classification scheme VCGS_Germline_v1.3.4, this variant is classified as Likely benign. Following criteria are met: 0103 - Loss of function and gain of function are known mechanisms of disease in this gene and are associated with autosomal dominant intellectual disability 29 (MIM#616078) and Schinzel-Giedion midface retraction syndrome (MIM#269150), respectively. The former is caused by premature termination variants, whereas the latter is caused by missense variants resulting in increased SETBP1 protein stability. (PMIDs: 28346496, 32460883, 25217958). (I) 0107 - This gene is associated with autosomal dominant disease. (I) 0200 - Variant is predicted to result in a missense amino acid change from aspartic acid to histidine. (I) 0251 - This variant is heterozygous. (I) 0301 - Variant is absent from gnomAD (both v2 and v3). (SP) 0309 - An alternative amino acid change at the same position has been observed in gnomAD (v2) (1 heterozygote, 0 homozygotes). (I) 0502 - Missense variant with conflicting in silico predictions and uninformative conservation. (I) 0604 - Variant is not located in an established domain, motif, hotspot or informative constraint region. (I) 0705 - No comparable missense variants have previous evidence for pathogenicity. (I) 0807 - This variant has no previous evidence of pathogenicity. (I) 0905 - No published segregation evidence has been identified for this variant. (I) 1007 - No published functional evidence has been identified for this variant. (I) Legend: (SP) - Supporting pathogenic, (I) - Information, (SB) - Supporting benign

Literature cited by the submitters: PubMed 25217958; PubMed 28346496; PubMed 32460883.

NM_015559.3(SETBP1):c.3937G>C (p.Asp1313His)

Gene: SETBP1 (SET binding protein 1; plus strand). Cytogenetic location: 18q12.3.
Variant type: single nucleotide variant.
Coding change: c.3937G>C on transcript NM_015559.3 (MANE Select); coding-DNA position 3937, G replaced by C.
Protein change: p.Asp1313His; replaces aspartic acid 1313 with histidine.
Molecular consequence: missense variant.
Genome position (GRCh38, 1-based): chr18:44,953,277, G>C. VCF-style: chr18-44953277-G-C. GRCh37 (hg19) VCF-style: chr18-42533242-G-C.
Other names: c.3937G>C, p.Asp1313His (NM_001379141.1, NM_001379142.1); short protein forms D1313H.
Identifiers: ClinVar variation 1699363 (VCV001699363.3), dbSNP rs2145116733, ClinGen allele CA402325520.